The following is an entry in ClinVar:

ClinVar aggregate classification (germline): Likely pathogenic (1 of 4 stars; one submission).

Submission:

Dasa
Classification: Likely pathogenic. Last evaluated: 2025-11-09. Review status: criteria provided, single submitter. Criteria: DASA Assertion Criteria. Collection method: clinical testing. Allele origin: germline.
Comment: NM_014694.4(ADAMTSL2):c.2075C>A (p.Ser692*) is a nonsense variant in ADAMTSL2 predicted to introduce a premature termination codon and is predicted to result in an absent or altered protein product. Loss of function is an established disease mechanism for ADAMTSL2-associated disorders. Also, this variant is rare in population databases. Based on the currently available evidence, this variant is classified as likely pathogenic.

NM_014694.4(ADAMTSL2):c.2075C>A (p.Ser692Ter)

Gene: ADAMTSL2 (ADAMTS like 2; plus strand). Cytogenetic location: 9q34.2.
Variant type: single nucleotide variant.
Coding change: c.2075C>A on transcript NM_014694.4 (MANE Select); coding-DNA position 2075, C replaced by A.
Protein change: p.Ser692Ter; replaces serine 692 with a stop codon.
Molecular consequence: nonsense.
Genome position (GRCh38, 1-based): chr9:133,568,473, C>A. VCF-style: chr9-133568473-C-A. GRCh37 (hg19) VCF-style: chr9-136433595-C-A.
Other names: c.2075C>A, p.Ser692Ter (NM_001145320.2); short protein forms S692*.
Identifiers: ClinVar variation 4881563 (VCV004881563.2).